The following is an entry in ClinVar:

NM_000214.3(JAG1):c.1080dup (p.Glu361Ter)

Gene: JAG1 (jagged canonical Notch ligand 1; minus strand). Cytogenetic location: 20p12.2.
Variant type: Duplication.
Coding change: c.1080dup on transcript NM_000214.3 (MANE Select); coding-DNA position 1080, one base duplicated (T; older notation c.1080dupT).
Protein change: p.Glu361Ter; replaces glutamic acid 361 with a stop codon.
Molecular consequence: nonsense.
Genome position (GRCh38, 1-based): chr20:10,651,621, A duplicated on the plus strand (T on the coding strand, the reverse complement: JAG1 is on the minus strand). VCF-style (leftmost placement, unchanged base first): chr20-10651620-C-CA. GRCh37 (hg19) VCF-style: chr20-10632268-C-CA.
Other names: short protein forms E361*.
Identifiers: ClinVar variation 4280728 (VCV004280728.1).

ClinVar aggregate classification (germline): Likely pathogenic (1 of 4 stars; one submission).

Conditions:
Alagille syndrome due to a JAG1 point mutation. Also called: HEPATIC DUCTULAR HYPOPLASIA, SYNDROMATIC; Alagille Syndrome 1; JAG1-Related Alagille Syndrome. Identifiers: Orphanet 261619, Orphanet 52, MedGen C1956125, MONDO:0016862, OMIM 118450.

Submission:

3billion
Classification: Likely pathogenic for Alagille syndrome due to a JAG1 point mutation. Last evaluated: 2023-03-29. Review status: criteria provided, single submitter. Criteria: ACMG Guidelines, 2015. Collection method: research. Allele origin: germline. Inheritance: Autosomal dominant inheritance. Affected: yes.
Comment: The variant is not observed in the gnomAD v2.1.1 dataset. The variant is predicted to result in a loss or disruption of normal protein function through nonsense-mediated decay (NMD) or protein truncation. Multiple pathogenic variants are reported downstream of the variant. Therefore, the variant was classified as likely pathogenic.